The following is an entry in ClinVar:

NM_002439.5(MSH3):c.2062A>T (p.Ile688Leu)

Gene: MSH3 (mutS homolog 3; plus strand). Cytogenetic location: 5q14.1.
Variant type: single nucleotide variant.
Coding change: c.2062A>T on transcript NM_002439.5 (MANE Select); coding-DNA position 2062, A replaced by T.
Protein change: p.Ile688Leu; replaces isoleucine 688 with leucine.
Molecular consequence: missense variant.
Genome position (GRCh38, 1-based): chr5:80,768,098, A>T. VCF-style: chr5-80768098-A-T. GRCh37 (hg19) VCF-style: chr5-80063917-A-T.
Other names: short protein forms I688L.
Identifiers: ClinVar variation 2010016 (VCV002010016.4), dbSNP rs2546773737, ClinGen allele CA360277937.

ClinVar aggregate classification (germline): Uncertain significance (1 of 4 stars; one submission).

Submission:

Labcorp Genetics (formerly Invitae), Labcorp
Classification: Uncertain significance. Last evaluated: 2023-08-14. Review status: criteria provided, single submitter. Criteria: Invitae Variant Classification Sherloc (09022015). Collection method: clinical testing. Allele origin: germline.
Comment: This sequence change replaces isoleucine, which is neutral and non-polar, with leucine, which is neutral and non-polar, at codon 688 of the MSH3 protein (p.Ile688Leu). This variant is not present in population databases (gnomAD no frequency). This variant has not been reported in the literature in individuals affected with MSH3-related conditions. ClinVar contains an entry for this variant (Variation ID: 2010016). An algorithm developed to predict the effect of missense changes on protein structure and function (PolyPhen-2) suggests that this variant is likely to be tolerated. In summary, the available evidence is currently insufficient to determine the role of this variant in disease. Therefore, it has been classified as a Variant of Uncertain Significance.